The following is an entry in ClinVar:

NM_000021.4(PSEN1):c.1300_1301delinsTG (p.Ala434Cys)

Gene: PSEN1 (presenilin 1; plus strand). Cytogenetic location: 14q24.2.
Variant type: Indel.
Coding change: c.1300_1301delinsTG on transcript NM_000021.4 (MANE Select); coding-DNA positions 1300 to 1301, GC replaced by TG.
Protein change: p.Ala434Cys; replaces alanine 434 with cysteine.
Molecular consequence: missense variant.
Genome position (GRCh38, 1-based): chr14:73,219,185-73,219,186, GC replaced by TG. VCF-style: chr14-73219185-GC-TG. GRCh37 (hg19) VCF-style: chr14-73685893-GC-TG.
Other names: c.1288_1289delinsTG, p.Ala430Cys (NM_007318.3); short protein forms A434C, A430C.
Identifiers: ClinVar variation 18141 (VCV000018141.3), dbSNP rs281875357, ClinGen allele CA225525.
Genomic context (GRCh38, chr14:73,219,185, plus strand): 5'-TCTCCACAGGGTTTGTGCCTTACATTATTACTCCTTGCCATTTTCAAGAAAGCATTGCCA[GC>TG]TCTTCCAATCTCCATCACCTTTGGGCTTGTTTTCTACTTTGCCACAGATTATCTTGTACA-3'
Protein context (NP_000012.1, residues 424-444): LLAIFKKALP[Ala434Cys]LPISITFGLV

ClinVar aggregate classification (germline): Pathogenic. Review status: criteria provided, single submitter (1 of 4 stars). 3 submissions from 3 submitters: Pathogenic (1). 2 of the submissions do not count toward it. Last evaluated 2019-03-27.

Conditions:
Alzheimer disease 3 (AD3). Also called: ALZHEIMER DISEASE, FAMILIAL, 3. Identifiers: Orphanet 1020, MedGen C1843013, MONDO:0011913, OMIM 607822.

Submissions (3):

Athena Diagnostics
Classification: Pathogenic. Last evaluated: 2019-03-27. Review status: criteria provided, single submitter. Criteria: Athena Diagnostics Criteria. Collection method: clinical testing. Allele origin: germline.
Comment: Not found in the total gnomAD dataset, and the data is high quality (0/282830 chr). Predicted to have a damaging effect on the protein. Damaging to protein function(s) relevant to disease mechanism. Statistically associated with disease, but in a single family. (p < 0.05)

OMIM
Classification: Pathogenic for ALZHEIMER DISEASE, FAMILIAL, 3. Last evaluated: 2000-10-01. Review status: no assertion criteria provided. Collection method: literature only. Allele origin: germline. Not counted in ClinVar's aggregate classification.

VIB  Department of Molecular Genetics, University of Antwerp
No classification provided. Review status: no classification provided. Collection method: not provided. Allele origin: unknown. Not counted in ClinVar's aggregate classification.

Literature cited by the submitters: PubMed 11030797 (cited by Athena Diagnostics and OMIM); PubMed 11524469 (cited by Athena Diagnostics); PubMed 23658629 (cited by Athena Diagnostics); PubMed 29491396 (cited by Athena Diagnostics); PubMed 18550769 (cited by Athena Diagnostics); PubMed 21531718 (cited by Athena Diagnostics); PubMed 19864413 (cited by Athena Diagnostics); PubMed 18482978 (cited by Athena Diagnostics); PubMed 16305624 (cited by Athena Diagnostics); PubMed 15764596 (cited by Athena Diagnostics); PubMed 21357415 (cited by Athena Diagnostics).